The following is an entry in ClinVar:

NM_024675.4(PALB2):c.3002A>T (p.Lys1001Ile)

Gene: PALB2 (partner and localizer of BRCA2; minus strand). Cytogenetic location: 16p12.2.
Variant type: single nucleotide variant.
Coding change: c.3002A>T on transcript NM_024675.4 (MANE Select); coding-DNA position 3002, A replaced by T.
Protein change: p.Lys1001Ile; replaces lysine 1001 with isoleucine.
Molecular consequence: missense variant. On other transcripts: intron variant (1).
Genome position (GRCh38, 1-based): chr16:23,621,473, T>A on the plus strand (A>T on the coding strand, the complement: PALB2 is on the minus strand). VCF-style: chr16-23621473-T-A. GRCh37 (hg19) VCF-style: chr16-23632794-T-A.
Other names: c.2942A>T, p.Lys981Ile (NM_001407296.1); c.2930A>T, p.Lys977Ile (NM_001407297.1); c.2840A>T, p.Lys947Ile (NM_001407298.1, NM_001407302.1); c.3002A>T, p.Lys1001Ile (NM_001407299.1, NM_001407301.1); c.2117A>T, p.Lys706Ile (NM_001407304.1, NM_001407305.1, NM_001407306.1 and 4 more transcripts); c.1955A>T, p.Lys652Ile (NM_001407307.1); c.1214A>T, p.Lys405Ile (NM_001407312.1, NM_001407313.1); c.536A>T, p.Lys179Ile (NM_001407314.1); and 1 more; short protein forms K1001I, K179I, K405I, K652I, K706I, K947I, K977I, K981I.
Identifiers: ClinVar variation 3228024 (VCV003228024.1), dbSNP rs2142328448, ClinGen allele CA395143214.

ClinVar aggregate classification (germline): Uncertain significance (1 of 4 stars; one submission).

Conditions:
Hereditary cancer-predisposing syndrome. Also called: Neoplastic Syndromes, Hereditary; Tumor predisposition; Hereditary neoplastic syndrome; Hereditary Cancer Syndrome. Identifiers: Orphanet 140162, MedGen C0027672, MeSH D009386, MONDO:0015356.

Submission:

Ambry Genetics
Classification: Uncertain significance for Hereditary cancer-predisposing syndrome. Last evaluated: 2024-02-28. Review status: criteria provided, single submitter. Criteria: Ambry Variant Classification Scheme 2023. Collection method: clinical testing. Allele origin: germline.
Comment: The p.K1001I variant (also known as c.3002A>T), located in coding exon 10 of the PALB2 gene, results from an A to T substitution at nucleotide position 3002. The lysine at codon 1001 is replaced by isoleucine, an amino acid with dissimilar properties. This amino acid position is conserved. In addition, this alteration is predicted to be tolerated by in silico analysis. Based on the available evidence, the clinical significance of this alteration remains unclear.